The following is an entry in ClinVar:

NM_001134831.2(AHI1):c.2941C>T (p.Gln981Ter)

Gene: AHI1 (Abelson helper integration site 1; minus strand). Cytogenetic location: 6q23.3.
Variant type: single nucleotide variant.
Coding change: c.2941C>T on transcript NM_001134831.2 (MANE Select); coding-DNA position 2941, C replaced by T.
Protein change: p.Gln981Ter; replaces glutamine 981 with a stop codon.
Molecular consequence: nonsense.
Genome position (GRCh38, 1-based): chr6:135,411,368, G>A on the plus strand (C>T on the coding strand, the complement: AHI1 is on the minus strand). VCF-style: chr6-135411368-G-A. GRCh37 (hg19) VCF-style: chr6-135732506-G-A.
Other names: c.2941C>T, p.Gln981Ter (NM_001134830.2, NM_001134832.2, NM_001350503.2 and 2 more transcripts); short protein forms Q981*.
Identifiers: ClinVar variation 4989327 (VCV004989327.2).
Genomic context (GRCh38, chr6:135,411,368, plus strand): 5'-GAAATAGTTTTAAAGTTTCAACTGCATAAAATAAACTTACTGTGACAGTTTCAAGCCTCT[G>A]TTTTACTAGCTGCATCTTCGTTGAAGAACTTTCAGTGTGGACAAATTCATCAATCTGAAA-3'

ClinVar aggregate classification (germline): Pathogenic/Likely pathogenic. Review status: criteria provided, multiple submitters, no conflicts (2 of 4 stars). 2 submissions from 2 submitters: Pathogenic (1); Likely pathogenic (1). Last evaluated 2025-12-06.

Conditions:
Joubert syndrome 3 (JBTS3). Also called: AHI1-related Ciliopathy. Identifiers: Orphanet 220493, MedGen C1837713, MONDO:0012078, OMIM 608629.
AHI1-related disorder. Also called: AHI1-related condition.

Submissions (2):

Myriad Genetics, Inc.
Classification: Pathogenic for Joubert syndrome 3. Last evaluated: 2025-12-06. Review status: criteria provided, single submitter. Criteria: Myriad Autosomal Dominant, Autosomal Recessive and X-Linked Classification Criteria (2023). Collection method: clinical testing. Allele origin: unknown.
Comment: NM_001134831.1(AHI1):c.2941C>T(Q981*) is expected to be pathogenic in the context of Joubert syndrome, AHI1-related. This variant is predicted to lead to an abnormal or absent protein product due to the creation of a premature termination codon in AHI1, a gene where loss-of-function variants are known to be pathogenic. Please note: this variant was assessed in the context of healthy population screening.

PreventionGenetics, part of Exact Sciences
Classification: Likely pathogenic for AHI1-related condition. Last evaluated: 2025-09-30. Review status: criteria provided, single submitter. Criteria: ACMG Guidelines, 2015. Collection method: clinical testing. Allele origin: germline.
Comment: The AHI1 c.2941C>T variant is predicted to result in premature protein termination (p.Gln981*). To our knowledge, this variant has not been reported in the literature or in a large population database (gnomAD), indicating this variant is rare. Nonsense variants in AHI1 are expected to be pathogenic. This variant is interpreted as likely pathogenic.